The following is an entry in ClinVar:

ClinVar aggregate classification (germline): Benign/Likely benign. Review status: criteria provided, multiple submitters, no conflicts (2 of 4 stars). 3 submissions from 3 submitters: Benign (1); Likely benign (2). Last evaluated 2025-01-23.

Conditions:
Familial cancer of breast. Also called: BREAST CANCER, FAMILIAL; Hereditary breast cancer; hereditary breast carcinoma. Identifiers: Orphanet 227535, MedGen C0346153, MONDO:0016419, OMIM 114480. Disease mechanism: loss of function.
Hereditary cancer-predisposing syndrome. Also called: Neoplastic Syndromes, Hereditary; Tumor predisposition; Hereditary Cancer Syndrome; Hereditary neoplastic syndrome. Identifiers: Orphanet 140162, MedGen C0027672, MeSH D009386, MONDO:0015356.
Ataxia-telangiectasia syndrome (AT). Also called: LOUIS-BAR SYNDROME; Cerebello-oculocutaneous telangiectasia; Immunodeficiency with ataxia telangiectasia; Ataxia telangiectasia (A-T); Ataxia-telangiectasia, complementation group D; AT, COMPLEMENTATION GROUP C. Identifiers: Orphanet 100, MedGen C0004135, MONDO:0008840, OMIM 208900.

Submissions (3):

Labcorp Genetics (formerly Invitae), Labcorp
Classification: Likely benign for Ataxia-telangiectasia syndrome. Last evaluated: 2025-01-23. Review status: criteria provided, single submitter. Criteria: Invitae Variant Classification Sherloc (09022015). Collection method: clinical testing. Allele origin: germline.

Myriad Genetics, Inc.
Classification: Benign for Familial cancer of breast. Last evaluated: 2024-06-21. Review status: criteria provided, single submitter. Criteria: Myriad Autosomal Dominant, Autosomal Recessive and X-Linked Classification Criteria (2023). Collection method: clinical testing. Allele origin: unknown.
Comment: This variant is considered benign. This variant is a silent/synonymous amino acid change and it is not expected to impact splicing.

Ambry Genetics
Classification: Likely benign for Hereditary cancer-predisposing syndrome. Last evaluated: 2015-11-11. Review status: criteria provided, single submitter. Criteria: Ambry Variant Classification Scheme 2023. Collection method: clinical testing. Allele origin: germline.

NM_000051.4(ATM):c.8841C>G (p.Thr2947=)

Genes: ATM (ATM serine/threonine kinase; plus strand), C11orf65 (chromosome 11 open reading frame 65; minus strand). Cytogenetic location: 11q22.3.
Variant type: single nucleotide variant.
Coding change: c.8841C>G on transcript NM_000051.4 (MANE Select); coding-DNA position 8841, C replaced by G.
Protein change: p.Thr2947=; no amino-acid change (threonine 2947 retained).
Molecular consequence: synonymous variant. On other transcripts: intron variant (2).
Genome position (GRCh38, 1-based): chr11:108,354,865, C>G. VCF-style: chr11-108354865-C-G. GRCh37 (hg19) VCF-style: chr11-108225592-C-G.
Other names: c.8841C>G, p.Thr2947= (NM_001351834.2); c.640+31055G>C (NM_001330368.2); c.695-19573G>C (NM_001351110.2).
Identifiers: ClinVar variation 1649218 (VCV001649218.11), dbSNP rs2137353155, ClinGen allele CA476674103.
Genomic context (GRCh38, chr11:108,354,865, plus strand): 5'-CTCTAGATGCTGTGAGAAAACCATGGAAGTGATGAGAAACTCTCAGGAAACTCTGTTAAC[C>G]ATTGTAGAGGTAAAGTATTTTATAAGGAAGACTTTATTTTTTTTCTTACCAGGTAGACTG-3'
Protein context (NP_000042.3, residues 2937-2957): VMRNSQETLL[Thr2947=]IVEVLLYDPL